The following is an entry in ClinVar:

ClinVar aggregate classification (germline): Uncertain significance (1 of 4 stars; one submission).

gnomAD v4.1: 1 of 1,614,192 alleles (0.000062%); highest among the groups gnomAD compares: South Asian, 0.0011%; no homozygotes.

Submission:

GeneDx
Classification: Uncertain significance. Last evaluated: 2023-06-06. Review status: criteria provided, single submitter. Criteria: GeneDx Variant Classification Process June 2021. Collection method: clinical testing. Allele origin: germline. Affected: yes.
Comment: Not observed at significant frequency in large population cohorts (gnomAD); In silico analysis supports that this missense variant has a deleterious effect on protein structure/function; Has not been previously published as pathogenic or benign to our knowledge

NM_032634.4(PIGO):c.1922G>T (p.Cys641Phe)

Gene: PIGO (phosphatidylinositol glycan anchor biosynthesis class O; minus strand). Cytogenetic location: 9p13.3.
Variant type: single nucleotide variant.
Coding change: c.1922G>T on transcript NM_032634.4 (MANE Select); coding-DNA position 1922, G replaced by T.
Protein change: p.Cys641Phe; replaces cysteine 641 with phenylalanine.
Molecular consequence: missense variant. On other transcripts: intron variant (2).
Genome position (GRCh38, 1-based): chr9:35,091,965, C>A on the plus strand (G>T on the coding strand, the complement: PIGO is on the minus strand). VCF-style: chr9-35091965-C-A. GRCh37 (hg19) VCF-style: chr9-35091962-C-A.
Other names: c.1344+578G>T (NM_152850.4, NM_001201484.2); short protein forms C641F.
Identifiers: ClinVar variation 3359396 (VCV003359396.1).